The following is an entry in ClinVar:

NM_000271.5(NPC1):c.3255T>A (p.Tyr1085Ter)

Gene: NPC1 (NPC intracellular cholesterol transporter 1; minus strand). Cytogenetic location: 18q11.2.
Variant type: single nucleotide variant.
Coding change: c.3255T>A on transcript NM_000271.5 (MANE Select); coding-DNA position 3255, T replaced by A.
Protein change: p.Tyr1085Ter; replaces tyrosine 1085 with a stop codon.
Molecular consequence: nonsense.
Genome position (GRCh38, 1-based): chr18:23,535,691, A>T on the plus strand (T>A on the coding strand, the complement: NPC1 is on the minus strand). VCF-style: chr18-23535691-A-T. GRCh37 (hg19) VCF-style: chr18-21115655-A-T.
Other names: short protein forms Y1085*.
Identifiers: ClinVar variation 984317 (VCV000984317.4), dbSNP rs774602107, ClinGen allele CA401791594.
Genomic context (GRCh38, chr18:23,535,691, plus strand): 5'-GGACACACCGAGGTTGAAGATAGTGTCGTCAATGATGGTCAGGTACTGTTCGTAGAAGAC[A>T]TAAAACACACTGGAGGGGAGAGGGGAGGCCTCATTAAAGCTCGCTCTCACTCCCGAACAC-3'

ClinVar aggregate classification (germline): Pathogenic/Likely pathogenic. Review status: criteria provided, multiple submitters, no conflicts (2 of 4 stars). 2 submissions from 2 submitters: Pathogenic (1); Likely pathogenic (1). Last evaluated 2020-07-24.

Conditions:
Niemann-Pick disease, type C1. Also called: NIEMANN-PICK DISEASE, VARIANT TYPE C1; NIEMANN-PICK DISEASE WITHOUT SPHINGOMYELINASE DEFICIENCY; NIEMANN-PICK DISEASE, CHRONIC NEURONOPATHIC FORM; NEUROVISCERAL STORAGE DISEASE WITH VERTICAL SUPRANUCLEAR OPHTHALMOPLEGIA; NIEMANN-PICK DISEASE WITH CHOLESTEROL ESTERIFICATION BLOCK. Identifiers: Orphanet 646, MedGen C3179455, MONDO:0009757, OMIM 257220.

Submissions (2):

CENTOGENE GmbH and LLC - Guiding Precision Medicine
Classification: Pathogenic for Niemann-Pick disease, type C1. Last evaluated: 2020-07-24. Review status: criteria provided, single submitter. Criteria: ACMG Guidelines, 2015. Collection method: clinical testing. Allele origin: germline. Affected: yes.

Myriad Genetics, Inc.
Classification: Likely pathogenic for Niemann-Pick disease, type C1. Last evaluated: 2019-12-28. Review status: criteria provided, single submitter. Criteria: Myriad Women's Health Autosomal Recessive and X-Linked Classification Criteria (2019). Collection method: clinical testing. Allele origin: unknown.
Comment: NM_000271.4(NPC1):c.3255T>A(Y1085*) is expected to be pathogenic in the context of Niemann-Pick disease type C1. This variant is predicted to lead to an abnormal or absent protein product due to the creation of a premature termination codon in NPC1, a gene where loss-of-function variants are known to be pathogenic. Please note: this variant was assessed in the context of healthy population screening.